The following is an entry in ClinVar:

ClinVar aggregate classification (germline): Conflicting classifications of pathogenicity. Review status: criteria provided, conflicting classifications (1 of 4 stars). 3 submissions from 3 submitters: Uncertain significance (1); Likely benign (2). Last evaluated 2024-02-16.

Allele frequency attached by ClinVar (database versions not stated): ExAC 0.00001; gnomAD exomes 0.00001 and 0.00005; gnomAD 0.00002; TOPMed 0.00003.
gnomAD v4.1: 77 of 1,613,536 alleles (0.0048%); highest among the groups gnomAD compares: Non-Finnish European, 0.006%; no homozygotes.

Submissions (3):

Labcorp Genetics (formerly Invitae), Labcorp
Classification: Likely benign. Last evaluated: 2024-02-16. Review status: criteria provided, single submitter. Criteria: Invitae Variant Classification Sherloc (09022015). Collection method: clinical testing. Allele origin: germline.

Eurofins Ntd Llc (ga)
Classification: Uncertain significance. Last evaluated: 2017-07-19. Review status: criteria provided, single submitter. Criteria: EGL Classification Definitions 2015. Collection method: clinical testing. Allele origin: germline. Observed: 1 variant allele, 1 heterozygote.

GeneDx
Classification: Likely benign. Last evaluated: 2017-05-23. Review status: criteria provided, single submitter. Criteria: GeneDx Variant Classification (06012015). Collection method: clinical testing. Allele origin: germline. Affected: yes.
Comment: This variant is considered likely benign or benign based on one or more of the following criteria: it is a conservative change, it occurs at a poorly conserved position in the protein, it is predicted to be benign by multiple in silico algorithms, and/or has population frequency not consistent with disease.

NM_000443.4(ABCB4):c.201C>T (p.His67=)

Gene: ABCB4 (ATP binding cassette subfamily B member 4; minus strand). Cytogenetic location: 7q21.12.
Variant type: single nucleotide variant.
Coding change: c.201C>T on transcript NM_000443.4 (MANE Select); coding-DNA position 201, C replaced by T.
Protein change: p.His67=; no amino-acid change (histidine 67 retained).
Molecular consequence: synonymous variant.
Genome position (GRCh38, 1-based): chr7:87,462,843, G>A on the plus strand (C>T on the coding strand, the complement: ABCB4 is on the minus strand). VCF-style: chr7-87462843-G-A. GRCh37 (hg19) VCF-style: chr7-87092159-G-A.
Other names: c.201C>T, p.His67= (NM_018849.3, NM_018850.3).
Identifiers: ClinVar variation 509450 (VCV000509450.8), dbSNP rs747703354, ClinGen allele CA4327598.